The following is an entry in ClinVar:

NM_001145026.2(PTPRQ):c.5726C>T (p.Ser1909Phe)

Gene: PTPRQ (protein tyrosine phosphatase receptor type Q; plus strand). Cytogenetic location: 12q21.31.
Variant type: single nucleotide variant.
Coding change: c.5726C>T on transcript NM_001145026.2 (MANE Select); coding-DNA position 5726, C replaced by T.
Protein change: p.Ser1909Phe; replaces serine 1909 with phenylalanine.
Molecular consequence: missense variant.
Genome position (GRCh38, 1-based): chr12:80,632,231, C>T. VCF-style: chr12-80632231-C-T. GRCh37 (hg19) VCF-style: chr12-81026010-C-T.
Other names: short protein forms S1909F.
Identifiers: ClinVar variation 1050271 (VCV001050271.1), dbSNP rs1288542125, ClinGen allele CA385934558.

ClinVar aggregate classification (germline): Uncertain significance (0 of 4 stars; one submission).

Allele frequency attached by ClinVar (database versions not stated): gnomAD 0.00001; gnomAD exomes 0.00001 and 0.00003; TOPMed 0.00004.
gnomAD v4.1: 37 of 1,551,326 alleles (0.0024%); highest among the groups gnomAD compares: East Asian, 0.017%; no homozygotes.

Submission:

Department of Pathology and Laboratory Medicine, Sinai Health System
Classification: Uncertain significance. Review status: no assertion criteria provided. Collection method: clinical testing. Allele origin: unknown. Affected: yes. Study: The Canadian Open Genetics Repository (COGR).
Comment: The PTPRQ p.Ser1905Phe variant was not identified in the literature nor was it identified in ClinVar or LOVD 3.0. The variant was identified in dbSNP (ID: rs1288542125) and in control databases in 3 of 185290 chromosomes at a frequency of 0.00001619 (Genome Aggregation Database March 6, 2019, v2.1.1). The variant was observed in the following populations: East Asian in 1 of 12456 chromosomes (freq: 0.00008), African in 1 of 16616 chromosomes (freq: 0.00006) and European (non-Finnish) in 1 of 74996 chromosomes (freq: 0.000013), but was not observed in the Latino, Ashkenazi Jewish, European (Finnish), Other, or South Asian populations. The p.Ser1905 residue has limited species conservation information and computational analyses (SIFT, AlignGVGD, BLOSUM, MutationTaster) provide inconsistent predictions regarding the impact to the protein; this information is not very predictive of pathogenicity. The variant occurs outside of the splicing consensus sequence and in silico or computational prediction software programs (SpliceSiteFinder, MaxEntScan, NNSPLICE, GeneSplicer) do not predict a difference in splicing. In summary, based on the above information the clinical significance of this variant cannot be determined with certainty at this time. This variant is classified as a variant of uncertain significance.